The following is an entry in ClinVar:

ClinVar aggregate classification (germline): Conflicting classifications of pathogenicity. Review status: criteria provided, conflicting classifications (1 of 4 stars). 4 submissions from 2 submitters: Uncertain significance (3); Likely benign (1). Last evaluated 2025-10-21.

Conditions:
Complement component 3 deficiency. Identifiers: Orphanet 280133, MedGen C3151071, MONDO:0013417, OMIM 613779.
Atypical hemolytic-uremic syndrome with C3 anomaly. Also called: AHUS, SUSCEPTIBILITY TO, 5. Identifiers: Orphanet 2134, MedGen C2752037, MONDO:0013043, OMIM 612925.
Age related macular degeneration 9. Identifiers: MedGen C1969651, MONDO:0012659, OMIM 611378.

Allele frequency attached by ClinVar (database versions not stated): ExAC 0.00005; gnomAD exomes 0.00005 and 0.00008; gnomAD 0.00007; TOPMed 0.00010; 1000 Genomes Project 30x 0.00016; 1000 Genomes Project 0.00020.
gnomAD v4.1: 78 of 1,613,238 alleles (0.0048%); highest among the groups gnomAD compares: East Asian, 0.047%; 1 homozygote.

Submissions (4):

Labcorp Genetics (formerly Invitae), Labcorp
Classification: Uncertain significance. Last evaluated: 2025-10-21. Review status: criteria provided, single submitter. Criteria: Invitae Variant Classification Sherloc (09022015). Collection method: clinical testing. Allele origin: germline.
Comment: This sequence change replaces arginine, which is basic and polar, with glutamine, which is neutral and polar, at codon 736 of the C3 protein (p.Arg736Gln). This variant is present in population databases (rs578116271, gnomAD 0.06%). This variant has not been reported in the literature in individuals affected with C3-related conditions. ClinVar contains an entry for this variant (Variation ID: 892833). Invitae Evidence Modeling of protein sequence and biophysical properties (such as structural, functional, and spatial information, amino acid conservation, physicochemical variation, residue mobility, and thermodynamic stability) indicates that this missense variant is not expected to disrupt C3 protein function with a negative predictive value of 80%. In summary, the available evidence is currently insufficient to determine the role of this variant in disease. Therefore, it has been classified as a Variant of Uncertain Significance.

Illumina Laboratory Services, Illumina
Classification: Uncertain significance for Age related macular degeneration 9. Last evaluated: 2018-01-12. Review status: criteria provided, single submitter. Criteria: ICSL Variant Classification Criteria 13 December 2019. Collection method: clinical testing. Allele origin: germline.

Illumina Laboratory Services, Illumina
Classification: Likely benign for Atypical hemolytic-uremic syndrome with C3 anomaly. Last evaluated: 2018-01-12. Review status: criteria provided, single submitter. Criteria: ICSL Variant Classification Criteria 13 December 2019. Collection method: clinical testing. Allele origin: germline.
Comment: This variant was observed in the ICSL laboratory as part of a predisposition screen in an ostensibly healthy population. It had not been previously curated by ICSL or reported in the Human Gene Mutation Database (HGMD: prior to June 1st, 2018), and was therefore a candidate for classification through an automated scoring system. Utilizing variant allele frequency, disease prevalence and penetrance estimates, and inheritance mode, an automated score was calculated to assess if this variant is too frequent to cause the disease. Based on the score and internal cut-off values, a variant classified as likely benign is not then subjected to further curation. The score for this variant resulted in a classification of likely benign for this disease.

Illumina Laboratory Services, Illumina
Classification: Uncertain significance for Complement component 3 deficiency. Last evaluated: 2018-01-12. Review status: criteria provided, single submitter. Criteria: ICSL Variant Classification Criteria 13 December 2019. Collection method: clinical testing. Allele origin: germline.

NM_000064.4(C3):c.2207G>A (p.Arg736Gln)

Gene: C3 (complement C3; minus strand). Cytogenetic location: 19p13.3.
Variant type: single nucleotide variant.
Coding change: c.2207G>A on transcript NM_000064.4 (MANE Select); coding-DNA position 2207, G replaced by A.
Protein change: p.Arg736Gln; replaces arginine 736 with glutamine.
Molecular consequence: missense variant.
Genome position (GRCh38, 1-based): chr19:6,707,114, C>T on the plus strand (G>A on the coding strand, the complement: C3 is on the minus strand). VCF-style: chr19-6707114-C-T. GRCh37 (hg19) VCF-style: chr19-6707125-C-T.
Other names: short protein forms R736Q.
Identifiers: ClinVar variation 892833 (VCV000892833.8), dbSNP rs578116271, ClinGen allele CA9129168.